The following is an entry in ClinVar:

ClinVar aggregate classification (germline): Uncertain significance (1 of 4 stars; one submission).

Submission:

Labcorp Genetics (formerly Invitae), Labcorp
Classification: Uncertain significance. Last evaluated: 2023-10-14. Review status: criteria provided, single submitter. Criteria: Invitae Variant Classification Sherloc (09022015). Collection method: clinical testing. Allele origin: germline.
Comment: This sequence change replaces cysteine, which is neutral and slightly polar, with serine, which is neutral and polar, at codon 1464 of the TECTA protein (p.Cys1464Ser). This variant is not present in population databases (gnomAD no frequency). This variant has not been reported in the literature in individuals affected with TECTA-related conditions. Advanced modeling of protein sequence and biophysical properties (such as structural, functional, and spatial information, amino acid conservation, physicochemical variation, residue mobility, and thermodynamic stability) has been performed at Invitae for this missense variant, however the output from this modeling did not meet the statistical confidence thresholds required to predict the impact of this variant on TECTA protein function. In summary, the available evidence is currently insufficient to determine the role of this variant in disease. Therefore, it has been classified as a Variant of Uncertain Significance.

NM_005422.4(TECTA):c.4390T>A (p.Cys1464Ser)

Genes: TBCEL-TECTA (TBCEL-TECTA readthrough; plus strand), TECTA (tectorin alpha; plus strand). Cytogenetic location: 11q23.3.
Variant type: single nucleotide variant.
Coding change: c.4390T>A on transcript NM_005422.4 (MANE Select); coding-DNA position 4390, T replaced by A.
Protein change: p.Cys1464Ser; replaces cysteine 1464 with serine.
Molecular consequence: missense variant.
Genome position (GRCh38, 1-based): chr11:121,157,925, T>A. VCF-style: chr11-121157925-T-A. GRCh37 (hg19) VCF-style: chr11-121028634-T-A.
Other names: c.5347T>A, p.Cys1783Ser (NM_001378761.1); short protein forms C1464S, C1783S.
Identifiers: ClinVar variation 2768421 (VCV002768421.3), dbSNP rs2496972817, ClinGen allele CA383026768.
Genomic context (GRCh38, chr11:121,157,925, plus strand): 5'-GACTGCACGCGGCGCTGCCGCTGTTTCCGTCGCAACGTGATTCAGTGCGACCCGCGCCAA[T>A]GCAAGTCAGACGAGGAGTGTGCGCTGCGCAACGGGGTGCGCGGCTGCTTCAGCACCAAGA-3'
Protein context (NP_005413.2, residues 1454-1474): RNVIQCDPRQ[Cys1464Ser]KSDEECALRN